The following is an entry in ClinVar:

NM_001042492.3(NF1):c.342G>A (p.Leu114=)

Gene: NF1 (neurofibromin 1; plus strand). Cytogenetic location: 17q11.2.
Variant type: single nucleotide variant.
Coding change: c.342G>A on transcript NM_001042492.3 (MANE Select); coding-DNA position 342, G replaced by A.
Protein change: p.Leu114=; no amino-acid change (leucine 114 retained).
Molecular consequence: synonymous variant.
Genome position (GRCh38, 1-based): chr17:31,163,239, G>A. VCF-style: chr17-31163239-G-A. GRCh37 (hg19) VCF-style: chr17-29490257-G-A.
Other names: c.342G>A, p.Leu114= (NM_000267.4, NM_001128147.3).
Identifiers: ClinVar variation 1731359 (VCV001731359.3), dbSNP rs2544700544, ClinGen allele CA499200278.

ClinVar aggregate classification (germline): Benign/Likely benign. Review status: criteria provided, multiple submitters, no conflicts (2 of 4 stars). 2 submissions from 2 submitters: Benign (1); Likely benign (1). Last evaluated 2026-05-14.

Conditions:
Neurofibromatosis, type 1 (NF1). Also called: VON RECKLINGHAUSEN DISEASE; NEUROFIBROMATOSIS, TYPE I, SOMATIC; Neurofibromatosis, type I; Peripheral type neurofibromatosis. Identifiers: Orphanet 636, MedGen C0027831, MONDO:0018975, OMIM 162200. Disease mechanism: loss of function.
Cardiovascular phenotype. Identifiers: MedGen CN230736.
Hereditary cancer-predisposing syndrome. Also called: Neoplastic Syndromes, Hereditary; Tumor predisposition; Hereditary neoplastic syndrome; Hereditary Cancer Syndrome. Identifiers: Orphanet 140162, MedGen C0027672, MeSH D009386, MONDO:0015356.

Submissions (2):

Myriad Genetics, Inc.
Classification: Benign for Neurofibromatosis, type 1. Last evaluated: 2026-05-14. Review status: criteria provided, single submitter. Criteria: Myriad Autosomal Dominant, Autosomal Recessive and X-Linked Classification Criteria (2023). Collection method: clinical testing. Allele origin: unknown.
Comment: This variant is considered benign. This variant is a silent/synonymous amino acid change and it is not expected to impact splicing.

Ambry Genetics
Classification: Likely benign for Cardiovascular phenotype; Hereditary cancer-predisposing syndrome. Last evaluated: 2020-06-10. Review status: criteria provided, single submitter. Criteria: Ambry Variant Classification Scheme 2023. Collection method: clinical testing. Allele origin: germline.